The following is an entry in ClinVar:

ClinVar aggregate classification (germline): Benign (1 of 4 stars; one submission).

Allele frequency attached by ClinVar (database versions not stated): gnomAD 0.04310 and 0.04594; TOPMed 0.04825; 1000 Genomes Project 0.05172; 1000 Genomes Project 30x 0.05434.
gnomAD v4.1: 6,498 of 152,184 alleles (4.3%); highest among the groups gnomAD compares: African/African-American, 15%; 441 homozygotes.

Submission:

GeneDx
Classification: Benign. Last evaluated: 2018-06-14. Review status: criteria provided, single submitter. Criteria: GeneDx Variant Classification (06012015). Collection method: clinical testing. Allele origin: germline. Affected: yes.
Comment: This variant is considered likely benign or benign based on one or more of the following criteria: it is a conservative change, it occurs at a poorly conserved position in the protein, it is predicted to be benign by multiple in silico algorithms, and/or has population frequency not consistent with disease.

NM_001035.3(RYR2):c.11477-204G>A

Gene: RYR2 (ryanodine receptor 2; plus strand). Cytogenetic location: 1q43.
Variant type: single nucleotide variant.
Coding change: c.11477-204G>A on transcript NM_001035.3 (MANE Select); 204 bases into the intron before coding-DNA position 11477, G replaced by A.
Molecular consequence: intron variant.
Genome position (GRCh38, 1-based): chr1:237,770,603, G>A. VCF-style: chr1-237770603-G-A. GRCh37 (hg19) VCF-style: chr1-237933903-G-A.
Identifiers: ClinVar variation 672953 (VCV000672953.1), dbSNP rs16835777, ClinGen allele CA10946025.